The following is an entry in ClinVar:

NM_003673.4(TCAP):c.111-17C>T

Gene: TCAP (titin-cap; plus strand). Cytogenetic location: 17q12.
Variant type: single nucleotide variant.
Coding change: c.111-17C>T on transcript NM_003673.4 (MANE Select); 17 bases into the intron before coding-DNA position 111, C replaced by T.
Molecular consequence: intron variant.
Genome position (GRCh38, 1-based): chr17:39,665,699, C>T. VCF-style: chr17-39665699-C-T. GRCh37 (hg19) VCF-style: chr17-37821952-C-T.
Identifiers: ClinVar variation 383071 (VCV000383071.9), dbSNP rs567350904, ClinGen allele CA8532854.
Genomic context (GRCh38, chr17:39,665,699, plus strand): 5'-CCAGGGGAGCCCCCCACCCAGCCTGTGCCCAGAGAGCAACAGCTCCCAGGAGCTCACTGC[C>T]CCTCCCCTCTCCCCAGCTGCTCCCTGCATGAGGAGGACACCCAGAGACATGAGACCTACC-3'

ClinVar aggregate classification (germline): Likely benign. Review status: criteria provided, multiple submitters, no conflicts (2 of 4 stars). 2 submissions from 2 submitters: Likely benign (2). Last evaluated 2026-01-13.

Conditions:
Hypertrophic cardiomyopathy 25 (CMH25). Also called: CARDIOMYOPATHY, FAMILIAL HYPERTROPHIC, 25. Identifiers: MedGen C4225408, MONDO:0011843, OMIM 607487.
Primary familial hypertrophic cardiomyopathy (HCM). Identifiers: Orphanet 99739, MedGen C0949658, MeSH D024741, MONDO:0024573. Inheritance: Various modes of inheritance.

Allele frequency attached by ClinVar (database versions not stated): gnomAD 0.00003 and 0.00004; TOPMed 0.00003; gnomAD exomes 0.00006; ExAC 0.00009; 1000 Genomes Project 30x 0.00016; 1000 Genomes Project 0.00020.

Submissions (2):

Labcorp Genetics (formerly Invitae), Labcorp
Classification: Likely benign for Hypertrophic cardiomyopathy 25; Primary familial hypertrophic cardiomyopathy. Last evaluated: 2026-01-13. Review status: criteria provided, single submitter. Criteria: Invitae Variant Classification Sherloc (09022015). Collection method: clinical testing. Allele origin: germline.

GeneDx
Classification: Likely benign. Last evaluated: 2018-01-10. Review status: criteria provided, single submitter. Criteria: GeneDx Variant Classification (06012015). Collection method: clinical testing. Allele origin: germline. Affected: yes.
Comment: This variant is considered likely benign or benign based on one or more of the following criteria: it is a conservative change, it occurs at a poorly conserved position in the protein, it is predicted to be benign by multiple in silico algorithms, and/or has population frequency not consistent with disease.